The following is an entry in ClinVar:

NM_017780.4(CHD7):c.6892C>G (p.Gln2298Glu)

Gene: CHD7 (chromodomain helicase DNA binding protein 7; plus strand). Cytogenetic location: 8q12.2.
Variant type: single nucleotide variant.
Coding change: c.6892C>G on transcript NM_017780.4 (MANE Select); coding-DNA position 6892, C replaced by G.
Protein change: p.Gln2298Glu; replaces glutamine 2298 with glutamic acid.
Molecular consequence: missense variant. On other transcripts: intron variant (1).
Genome position (GRCh38, 1-based): chr8:60,854,479, C>G. VCF-style: chr8-60854479-C-G. GRCh37 (hg19) VCF-style: chr8-61767038-C-G.
Other names: c.1717-7750C>G (NM_001316690.1); short protein forms Q2298E.
Identifiers: ClinVar variation 1488074 (VCV001488074.6), dbSNP rs1057518891, ClinGen allele CA371295116.

ClinVar aggregate classification (germline): Uncertain significance (1 of 4 stars; one submission).

Conditions:
CHARGE syndrome (CHARGE). Also called: Coloboma, heart anomaly, choanal atresia, retardation, genital and ear anomalies; CHARGE association; Hall-Hittner syndrome; Hittner Hirsch Kreh syndrome; CHARGE ASSOCIATION--COLOBOMA, HEART ANOMALY, CHOANAL ATRESIA, RETARDATION, GENITAL AND EAR ANOMALIES. Identifiers: Orphanet 138, MedGen C0265354, MONDO:0008965.

Submission:

Labcorp Genetics (formerly Invitae), Labcorp
Classification: Uncertain significance for CHARGE syndrome. Last evaluated: 2023-10-13. Review status: criteria provided, single submitter. Criteria: Invitae Variant Classification Sherloc (09022015). Collection method: clinical testing. Allele origin: germline.
Comment: This sequence change replaces glutamine, which is neutral and polar, with glutamic acid, which is acidic and polar, at codon 2298 of the CHD7 protein (p.Gln2298Glu). This variant is not present in population databases (gnomAD no frequency). This variant has not been reported in the literature in individuals affected with CHD7-related conditions. ClinVar contains an entry for this variant (Variation ID: 1488074). Advanced modeling of protein sequence and biophysical properties (such as structural, functional, and spatial information, amino acid conservation, physicochemical variation, residue mobility, and thermodynamic stability) performed at Invitae indicates that this missense variant is not expected to disrupt CHD7 protein function. In summary, the available evidence is currently insufficient to determine the role of this variant in disease. Therefore, it has been classified as a Variant of Uncertain Significance.